The following is an entry in ClinVar:

ClinVar aggregate classification (germline): Uncertain significance. Review status: criteria provided, multiple submitters, no conflicts (2 of 4 stars). 2 submissions from 2 submitters: Uncertain significance (2). Last evaluated 2023-04-24.

Conditions:
Inborn genetic diseases. Identifiers: MedGen C0950123, MeSH D030342.

Allele frequency attached by ClinVar (database versions not stated): ExAC 0.00001; gnomAD exomes 0.00004; gnomAD 0.00005; TOPMed 0.00007.

Submissions (2):

Labcorp Genetics (formerly Invitae), Labcorp
Classification: Uncertain significance. Last evaluated: 2023-04-24. Review status: criteria provided, single submitter. Criteria: Invitae Variant Classification Sherloc (09022015). Collection method: clinical testing. Allele origin: germline.
Comment: In summary, the available evidence is currently insufficient to determine the role of this variant in disease. Therefore, it has been classified as a Variant of Uncertain Significance. Advanced modeling of protein sequence and biophysical properties (such as structural, functional, and spatial information, amino acid conservation, physicochemical variation, residue mobility, and thermodynamic stability) performed at Invitae indicates that this missense variant is not expected to disrupt PCDH12 protein function. ClinVar contains an entry for this variant (Variation ID: 1491305). This variant has not been reported in the literature in individuals affected with PCDH12-related conditions. This variant is present in population databases (rs755608535, gnomAD 0.02%). This sequence change replaces methionine, which is neutral and non-polar, with threonine, which is neutral and polar, at codon 1127 of the PCDH12 protein (p.Met1127Thr).

Ambry Genetics
Classification: Uncertain significance for Inborn genetic diseases. Last evaluated: 2021-08-02. Review status: criteria provided, single submitter. Criteria: Ambry Variant Classification Scheme 2023. Collection method: clinical testing. Allele origin: germline.

NM_016580.4(PCDH12):c.3380T>C (p.Met1127Thr)

Gene: PCDH12 (protocadherin 12; minus strand). Cytogenetic location: 5q31.3.
Variant type: single nucleotide variant.
Coding change: c.3380T>C on transcript NM_016580.4 (MANE Select); coding-DNA position 3380, T replaced by C.
Protein change: p.Met1127Thr; replaces methionine 1127 with threonine.
Molecular consequence: missense variant.
Genome position (GRCh38, 1-based): chr5:141,945,556, A>G on the plus strand (T>C on the coding strand, the complement: PCDH12 is on the minus strand). VCF-style: chr5-141945556-A-G. GRCh37 (hg19) VCF-style: chr5-141325121-A-G.
Other names: c.3380T>C (NM_016580.2); short protein forms M1127T.
Identifiers: ClinVar variation 1491305 (VCV001491305.7), dbSNP rs755608535, ClinGen allele CA3483975.